The following is an entry in ClinVar:

ClinVar aggregate classification (germline): Uncertain significance (1 of 4 stars; one submission).

Conditions:
Familial infantile myasthenia (CMS6). Also called: MYASTHENIC SYNDROME, PRESYNAPTIC, CONGENITAL, ASSOCIATED WITH EPISODIC APNEA; MYASTHENIC SYNDROME, CONGENITAL, 6, PRESYNAPTIC; Congenital myasthenic syndrome type 6. Identifiers: Orphanet 590, MedGen C0393929, MONDO:0009689, OMIM 254210.

gnomAD v4.1: 22 of 1,613,872 alleles (0.0014%); highest among the groups gnomAD compares: Non-Finnish European, 0.0019%; no homozygotes.

Submission:

Labcorp Genetics (formerly Invitae), Labcorp
Classification: Uncertain significance for Familial infantile myasthenia. Last evaluated: 2022-06-20. Review status: criteria provided, single submitter. Criteria: Invitae Variant Classification Sherloc (09022015). Collection method: clinical testing. Allele origin: germline.
Comment: This sequence change replaces serine, which is neutral and polar, with arginine, which is basic and polar, at codon 475 of the CHAT protein (p.Ser475Arg). The frequency data for this variant in the population databases is considered unreliable, as metrics indicate poor data quality at this position in the gnomAD database. This variant has not been reported in the literature in individuals affected with CHAT-related conditions. Advanced modeling of protein sequence and biophysical properties (such as structural, functional, and spatial information, amino acid conservation, physicochemical variation, residue mobility, and thermodynamic stability) performed at Invitae indicates that this missense variant is not expected to disrupt CHAT protein function. In summary, the available evidence is currently insufficient to determine the role of this variant in disease. Therefore, it has been classified as a Variant of Uncertain Significance.

NM_020549.5(CHAT):c.1425C>A (p.Ser475Arg)

Gene: CHAT (choline O-acetyltransferase; plus strand). Cytogenetic location: 10q11.23.
Variant type: single nucleotide variant.
Coding change: c.1425C>A on transcript NM_020549.5 (MANE Select); coding-DNA position 1425, C replaced by A.
Protein change: p.Ser475Arg; replaces serine 475 with arginine.
Molecular consequence: missense variant.
Genome position (GRCh38, 1-based): chr10:49,649,550, C>A. VCF-style: chr10-49649550-C-A. GRCh37 (hg19) VCF-style: chr10-50857596-C-A.
Other names: c.1071C>A, p.Ser357Arg (NM_001142929.2, NM_001142934.2, NM_020984.4 and 2 more transcripts); c.1179C>A, p.Ser393Arg (NM_001142933.2); short protein forms S357R, S475R, S393R.
Identifiers: ClinVar variation 1378668 (VCV001378668.5), dbSNP rs553771451, ClinGen allele CA5497496.